The following is an entry in ClinVar:

ClinVar aggregate classification (germline): Uncertain significance (1 of 4 stars; one submission).

Submission:

Labcorp Genetics (formerly Invitae), Labcorp
Classification: Uncertain significance. Last evaluated: 2025-02-17. Review status: criteria provided, single submitter. Criteria: Invitae Variant Classification Sherloc (09022015). Collection method: clinical testing. Allele origin: germline.
Comment: This sequence change replaces asparagine, which is neutral and polar, with serine, which is neutral and polar, at codon 2422 of the FBN3 protein (p.Asn2422Ser). This variant is not present in population databases (gnomAD no frequency). This variant has not been reported in the literature in individuals affected with FBN3-related conditions. Invitae Evidence Modeling of protein sequence and biophysical properties (such as structural, functional, and spatial information, amino acid conservation, physicochemical variation, residue mobility, and thermodynamic stability) indicates that this missense variant is expected to disrupt FBN3 protein function with a positive predictive value of 80%. In summary, the available evidence is currently insufficient to determine the role of this variant in disease. Therefore, it has been classified as a Variant of Uncertain Significance.

NM_032447.5(FBN3):c.7265A>G (p.Asn2422Ser)

Gene: FBN3 (fibrillin 3; minus strand). Cytogenetic location: 19p13.2.
Variant type: single nucleotide variant.
Coding change: c.7265A>G on transcript NM_032447.5 (MANE Select); coding-DNA position 7265, A replaced by G.
Protein change: p.Asn2422Ser; replaces asparagine 2422 with serine.
Molecular consequence: missense variant.
Genome position (GRCh38, 1-based): chr19:8,081,429, T>C on the plus strand (A>G on the coding strand, the complement: FBN3 is on the minus strand). VCF-style: chr19-8081429-T-C. GRCh37 (hg19) VCF-style: chr19-8146313-T-C.
Other names: c.7265A>G, p.Asn2422Ser (NM_001321431.2); short protein forms N2422S.
Identifiers: ClinVar variation 4744392 (VCV004744392.1).